The following is an entry in ClinVar:

ClinVar aggregate classification (germline): Pathogenic (1 of 4 stars; one submission).

Conditions:
Poirier-Bienvenu neurodevelopmental syndrome (POBINDS). Identifiers: Orphanet 689397, MedGen C5231482, MONDO:0032889, OMIM 618732.

Submission:

Institute of Human Genetics, University of Leipzig Medical Center
Classification: Pathogenic for Poirier-Bienvenu neurodevelopmental syndrome. Last evaluated: 2024-02-07. Review status: criteria provided, single submitter. Criteria: ACMG Guidelines, 2015. Collection method: clinical testing. Allele origin: unknown. Inheritance: Autosomal dominant inheritance. Affected: yes.
Comment: Criteria applied: PS2,PM5_STR,PS4_MOD,PM1,PM2_SUP,PP3

NM_001320.7(CSNK2B):c.95A>C (p.Asp32Ala)

Gene: CSNK2B (casein kinase 2 beta; plus strand). Cytogenetic location: 6p21.33.
Variant type: single nucleotide variant.
Coding change: c.95A>C on transcript NM_001320.7 (MANE Select); coding-DNA position 95, A replaced by C.
Protein change: p.Asp32Ala; replaces aspartic acid 32 with alanine.
Molecular consequence: missense variant.
Genome position (GRCh38, 1-based): chr6:31,667,890, A>C. VCF-style: chr6-31667890-A-C. GRCh37 (hg19) VCF-style: chr6-31635667-A-C.
Other names: c.95A>C, p.Asp32Ala (NM_001282385.2); short protein forms D32A.
Identifiers: ClinVar variation 3024534 (VCV003024534.2), dbSNP rs2536957931, ClinGen allele CA363471814.
Genomic context (GRCh38, chr6:31,667,890, plus strand): 5'-TTGATATGGGTTCCCTCTTGGCTTCCATGTCCTGACAGGTGGATGAAGACTACATCCAGG[A>C]CAAATTTAATCTTACTGGACTCAATGAGCAGGTCCCTCACTATCGACAAGCTCTAGACAT-3'
Protein context (NP_001311.3, residues 22-42): FCEVDEDYIQ[Asp32Ala]KFNLTGLNEQ